The following is an entry in ClinVar:

NM_000391.4(TPP1):c.1664C>A (p.Ala555Asp)

Gene: TPP1 (tripeptidyl peptidase 1; minus strand). Cytogenetic location: 11p15.4.
Variant type: single nucleotide variant.
Coding change: c.1664C>A on transcript NM_000391.4 (MANE Select); coding-DNA position 1664, C replaced by A.
Protein change: p.Ala555Asp; replaces alanine 555 with aspartic acid.
Molecular consequence: missense variant.
Genome position (GRCh38, 1-based): chr11:6,614,574, G>T on the plus strand (C>A on the coding strand, the complement: TPP1 is on the minus strand). VCF-style: chr11-6614574-G-T. GRCh37 (hg19) VCF-style: chr11-6635805-G-T.
Other names: p.A555D:GCT>GAT; short protein forms A555D.
Identifiers: ClinVar variation 207597 (VCV000207597.12), dbSNP rs200880556, ClinGen allele CA319220.

ClinVar aggregate classification (germline): Uncertain significance. Review status: criteria provided, multiple submitters, no conflicts (2 of 4 stars). 4 submissions from 4 submitters: Uncertain significance (3). 1 of the submissions does not count toward it. Last evaluated 2022-09-27.

Conditions:
Neuronal ceroid lipofuscinosis 2. Also called: JANSKY-BIELSCHOWSKY DISEASE NEURONAL CEROID LIPOFUSCINOSIS, LATE INFANTILE; TPP1-Related Neuronal Ceroid-Lipofuscinosis. Identifiers: Orphanet 168491, Orphanet 228349, Orphanet 79264, MedGen C1876161, MONDO:0008769, OMIM 204500.

Allele frequency attached by ClinVar (database versions not stated): gnomAD exomes 0.00001; gnomAD 0.00005; TOPMed 0.00005.
gnomAD v4.1: 163 of 1,614,026 alleles (0.01%); highest among the groups gnomAD compares: Non-Finnish European, 0.013%; no homozygotes.

Submissions (4):

Labcorp Genetics (formerly Invitae), Labcorp
Classification: Uncertain significance. Last evaluated: 2022-09-27. Review status: criteria provided, single submitter. Criteria: Invitae Variant Classification Sherloc (09022015). Collection method: clinical testing. Allele origin: germline.
Comment: This sequence change replaces alanine, which is neutral and non-polar, with aspartic acid, which is acidic and polar, at codon 555 of the TPP1 protein (p.Ala555Asp). This variant is present in population databases (rs200880556, gnomAD 0.004%). This variant has not been reported in the literature in individuals affected with TPP1-related conditions. ClinVar contains an entry for this variant (Variation ID: 207597). Algorithms developed to predict the effect of missense changes on protein structure and function (SIFT, PolyPhen-2, Align-GVGD) all suggest that this variant is likely to be tolerated. In summary, the available evidence is currently insufficient to determine the role of this variant in disease. Therefore, it has been classified as a Variant of Uncertain Significance.

Revvity Omics, Revvity
Classification: Uncertain significance. Last evaluated: 2019-04-02. Review status: criteria provided, single submitter. Criteria: ACMG Guidelines, 2015. Collection method: clinical testing. Allele origin: germline.

GeneDx
Classification: Uncertain significance. Last evaluated: 2018-02-13. Review status: criteria provided, single submitter. Criteria: GeneDx Variant Classification (06012015). Collection method: clinical testing. Allele origin: germline. Affected: yes.
Comment: p.Ala555Asp (GCT>GAT): c.1664 C>A in exon 13 of the TPP1 gene (NM_000391.3)The Ala555Asp missense change has not been published as a mutation, nor has it been reported as a benign polymorphism to our knowledge. The NHLBI ESP Exome Variant Project has not identified Ala555Asp in approximately 6,500 individuals of European or African American ethnicity, indicating that it is not a common benign variant in these populations. The amino acid substitution is non-conservative, as an uncharged, non-polar Alanine residue is replaced by a negatively charged Aspartic acid residue. However, it alters a position in the protein that is not conserved across species. In silico analysis is inconsistent with regard to the effect this variant may have on the protein structure/function. Therefore, based on the currently available information, it is unclear whether Ala555Asp is a disease-causing mutation or a rare benign variant. The variant is found in EPILEPSY,INFANT-EPI panel(s).

Natera, Inc.
Classification: Uncertain significance for Neuronal ceroid lipofuscinosis 2. Last evaluated: 2020-11-10. Review status: no assertion criteria provided. Collection method: clinical testing. Allele origin: germline. Not counted in ClinVar's aggregate classification.